The following is an entry in ClinVar:

NM_000222.3(KIT):c.1328G>C (p.Cys443Ser)

Gene: KIT (KIT proto-oncogene, receptor tyrosine kinase; plus strand). Cytogenetic location: 4q12.
Variant type: single nucleotide variant.
Coding change: c.1328G>C on transcript NM_000222.3 (MANE Select); coding-DNA position 1328, G replaced by C.
Protein change: p.Cys443Ser; replaces cysteine 443 with serine.
Molecular consequence: missense variant.
Genome position (GRCh38, 1-based): chr4:54,723,680, G>C. VCF-style: chr4-54723680-G-C. GRCh37 (hg19) VCF-style: chr4-55589846-G-C.
Other names: c.1328G>C, p.Cys443Ser (NM_001093772.2, NM_001385285.1, NM_001385286.1); c.1331G>C, p.Cys444Ser (NM_001385284.1, NM_001385288.1, NM_001385290.1 and 1 more transcripts); c.1328G>C (NM_000222.2); short protein forms C443S, C444S.
Identifiers: ClinVar variation 1487313 (VCV001487313.7), dbSNP rs2109761301, ClinGen allele CA356905748.

ClinVar aggregate classification (germline): Uncertain significance. Review status: criteria provided, multiple submitters, no conflicts (2 of 4 stars). 2 submissions from 2 submitters: Uncertain significance (2). Last evaluated 2025-06-17.

Conditions:
Hereditary cancer-predisposing syndrome. Also called: Hereditary neoplastic syndrome; Tumor predisposition; Hereditary Cancer Syndrome; Neoplastic Syndromes, Hereditary. Identifiers: Orphanet 140162, MedGen C0027672, MeSH D009386, MONDO:0015356.
Gastrointestinal stromal tumor. Also called: Gastrointestinal stroma tumor; Gastrointestinal stromal tumor, somatic. Identifiers: Orphanet 44890, MedGen C0238198, MeSH D046152, MONDO:0011719, OMIM 606764, HP:0100723.

Submissions (2):

Labcorp Genetics (formerly Invitae), Labcorp
Classification: Uncertain significance for Gastrointestinal stromal tumor. Last evaluated: 2025-06-17. Review status: criteria provided, single submitter. Criteria: Invitae Variant Classification Sherloc (09022015). Collection method: clinical testing. Allele origin: germline.
Comment: This sequence change replaces cysteine, which is neutral and slightly polar, with serine, which is neutral and polar, at codon 443 of the KIT protein (p.Cys443Ser). This variant is not present in population databases (gnomAD no frequency). This variant has not been reported in the literature in individuals affected with KIT-related conditions. ClinVar contains an entry for this variant (Variation ID: 1487313). An algorithm developed to predict the effect of missense changes on protein structure and function (PolyPhen-2) suggests that this variant is likely to be disruptive. In summary, the available evidence is currently insufficient to determine the role of this variant in disease. Therefore, it has been classified as a Variant of Uncertain Significance.

Ambry Genetics
Classification: Uncertain significance for Hereditary cancer-predisposing syndrome. Last evaluated: 2025-05-30. Review status: criteria provided, single submitter. Criteria: Ambry Variant Classification Scheme 2023. Collection method: clinical testing. Allele origin: germline.
Comment: The p.C443S variant (also known as c.1328G>C), located in coding exon 8 of the KIT gene, results from a G to C substitution at nucleotide position 1328. The cysteine at codon 443 is replaced by serine, an amino acid with dissimilar properties. This amino acid position is highly conserved in available vertebrate species. In addition, this alteration is predicted to be deleterious by in silico analysis. Based on the available evidence, the clinical significance of this variant remains unclear.